The following is an entry in ClinVar:

ClinVar aggregate classification (germline): Pathogenic. Review status: criteria provided, single submitter (1 of 4 stars). 2 submissions from 2 submitters: Pathogenic (1). 1 of the submissions does not count toward it. Last evaluated 2023-07-31.

Conditions:
LYST-related disorder. Also called: LYST-related condition.
Chédiak-Higashi syndrome (CHS). Also called: Chediak-Higashi Syndrome. Identifiers: Orphanet 167, MedGen C0007965, MONDO:0008963, OMIM 214500.

Submissions (2):

Labcorp Genetics (formerly Invitae), Labcorp
Classification: Pathogenic for Chédiak-Higashi syndrome. Last evaluated: 2023-07-31. Review status: criteria provided, single submitter. Criteria: Invitae Variant Classification Sherloc (09022015). Collection method: clinical testing. Allele origin: germline.
Comment: For these reasons, this variant has been classified as Pathogenic. This variant has not been reported in the literature in individuals affected with LYST-related conditions. This variant is not present in population databases (gnomAD no frequency). This sequence change creates a premature translational stop signal (p.Pro588Glyfs*14) in the LYST gene. It is expected to result in an absent or disrupted protein product. Loss-of-function variants in LYST are known to be pathogenic (PMID: 9215679, 11857544).

PreventionGenetics, part of Exact Sciences
Classification: Likely pathogenic for LYST-related condition. Last evaluated: 2024-01-04. Review status: no assertion criteria provided. Collection method: clinical testing. Allele origin: germline. Not counted in ClinVar's aggregate classification.
Comment: The LYST c.1758_1761dupGGAT variant is predicted to result in a frameshift and premature protein termination (p.Pro588Glyfs*14). To our knowledge, this variant has not been reported in the literature or in a large population database, indicating this variant is rare. Frameshift variants in LYST are expected to be pathogenic. This variant is interpreted as likely pathogenic.

Literature cited by the submitters: PubMed 9215679 (cited by Labcorp Genetics (formerly Invitae), Labcorp); PubMed 11857544 (cited by Labcorp Genetics (formerly Invitae), Labcorp).

NM_000081.4(LYST):c.1758_1761dup (p.Pro588fs)

Gene: LYST (lysosomal trafficking regulator; minus strand). Cytogenetic location: 1q42.3.
Variant type: Duplication.
Coding change: c.1758_1761dup on transcript NM_000081.4 (MANE Select); coding-DNA positions 1758 to 1761, 4 bases duplicated (GGAT; older notation c.1758_1761dupGGAT).
Protein change: p.Pro588fs; shifts the reading frame from proline 588.
Molecular consequence: frameshift variant.
Genome position (GRCh38, 1-based): chr1:235,809,057-235,809,060, ATCC duplicated on the plus strand (GGAT on the coding strand, the reverse complement: LYST is on the minus strand); duplicating any 4 consecutive bases within chr1:235,809,057-235,809,062 gives the same sequence; the c. name uses the placement nearest the transcript's 3' end. VCF-style (leftmost placement, unchanged base first): chr1-235809056-G-GATCC. GRCh37 (hg19) VCF-style: chr1-235972356-G-GATCC.
Other names: c.1758_1761dupGGAT (NM_000081.3); c.1758_1761dup, p.Pro588fs (NM_001301365.1); short protein forms P588fs.
Identifiers: ClinVar variation 2748630 (VCV002748630.5), dbSNP rs2527110492, ClinGen allele CA2697554997.